The following is an entry in ClinVar:

ClinVar aggregate classification (germline): Uncertain significance (1 of 4 stars; one submission).

Conditions:
Spastic paraplegia. Identifiers: MedGen C0037772, HP:0001258.

gnomAD v4.1: 1 of 1,206,874 alleles (0.000083%); highest among the groups gnomAD compares: Non-Finnish European, 0.00011%; no homozygotes.

Submission:

Labcorp Genetics (formerly Invitae), Labcorp
Classification: Uncertain significance for Spastic paraplegia. Last evaluated: 2024-08-15. Review status: criteria provided, single submitter. Criteria: Invitae Variant Classification Sherloc (09022015). Collection method: clinical testing. Allele origin: germline.
Comment: This sequence change replaces valine, which is neutral and non-polar, with methionine, which is neutral and non-polar, at codon 439 of the SLC16A2 protein (p.Val439Met). This variant is not present in population databases (gnomAD no frequency). This variant has not been reported in the literature in individuals affected with SLC16A2-related conditions. Invitae Evidence Modeling of protein sequence and biophysical properties (such as structural, functional, and spatial information, amino acid conservation, physicochemical variation, residue mobility, and thermodynamic stability) has been performed for this missense variant. However, the output from this modeling did not meet the statistical confidence thresholds required to predict the impact of this variant on SLC16A2 protein function. In summary, the available evidence is currently insufficient to determine the role of this variant in disease. Therefore, it has been classified as a Variant of Uncertain Significance.

NM_006517.5(SLC16A2):c.1315G>A (p.Val439Met)

Gene: SLC16A2 (solute carrier family 16 member 2; plus strand). Cytogenetic location: Xq13.2.
Variant type: single nucleotide variant.
Coding change: c.1315G>A on transcript NM_006517.5 (MANE Select); coding-DNA position 1315, G replaced by A.
Protein change: p.Val439Met; replaces valine 439 with methionine.
Molecular consequence: missense variant.
Genome position (GRCh38, 1-based): chrX:74,529,357, G>A. VCF-style: chrX-74529357-G-A. GRCh37 (hg19) VCF-style: chrX-73749192-G-A.
Other names: short protein forms V439M.
Identifiers: ClinVar variation 3672333 (VCV003672333.2).